The following is an entry in ClinVar:

NM_002336.3(LRP6):c.4194G>T (p.Leu1398Phe)

Gene: LRP6 (LDL receptor related protein 6; minus strand). Cytogenetic location: 12p13.2.
Variant type: single nucleotide variant.
Coding change: c.4194G>T on transcript NM_002336.3 (MANE Select); coding-DNA position 4194, G replaced by T.
Protein change: p.Leu1398Phe; replaces leucine 1398 with phenylalanine.
Molecular consequence: missense variant.
Genome position (GRCh38, 1-based): chr12:12,126,809, C>A on the plus strand (G>T on the coding strand, the complement: LRP6 is on the minus strand). VCF-style: chr12-12126809-C-A. GRCh37 (hg19) VCF-style: chr12-12279743-C-A.
Other names: c.3741G>T, p.Leu1247Phe (NM_001414254.1, NM_001414252.1, NM_001414253.1); c.3687G>T, p.Leu1229Phe (NM_001414255.1); c.4287G>T, p.Leu1429Phe (NM_001414244.1); c.4194G>T, p.Leu1398Phe (NM_001414245.1, NM_001414248.1, NM_001414249.1 and 1 more transcripts); c.4059G>T, p.Leu1353Phe (NM_001414246.1); c.3996G>T, p.Leu1332Phe (NM_001414247.1); c.3831G>T, p.Leu1277Phe (NM_001414251.1); short protein forms L1332F, L1229F, L1277F, L1353F, L1429F, L1247F, L1398F.
Identifiers: ClinVar variation 2105827 (VCV002105827.4), dbSNP rs147144852, ClinGen allele CA6455021.
Genomic context (GRCh38, chr12:12,126,809, plus strand): 5'-TGGTCCATGAACTACATAGTCATTAGTCATAGTTTCCCCATCTCCCTTCATACGTGGACA[C>A]AACATCCTCTGGCAGATAAAGTATACAGTTCCAGACACAAAAATGGTGACAATTACGCCA-3'
Protein context (NP_002327.2, residues 1388-1408): GTVYFICQRM[Leu1398Phe]CPRMKGDGET

ClinVar aggregate classification (germline): Uncertain significance (1 of 4 stars; one submission).

gnomAD v4.1: 3 of 1,613,968 alleles (0.00019%); highest among the groups gnomAD compares: Non-Finnish European, 0.00025%; no homozygotes.

Submission:

Labcorp Genetics (formerly Invitae), Labcorp
Classification: Uncertain significance. Last evaluated: 2022-03-02. Review status: criteria provided, single submitter. Criteria: Invitae Variant Classification Sherloc (09022015). Collection method: clinical testing. Allele origin: germline.
Comment: This sequence change replaces leucine, which is neutral and non-polar, with phenylalanine, which is neutral and non-polar, at codon 1398 of the LRP6 protein (p.Leu1398Phe). This variant is present in population databases (rs147144852, gnomAD 0.0009%). This variant has not been reported in the literature in individuals affected with LRP6-related conditions. Algorithms developed to predict the effect of missense changes on protein structure and function are either unavailable or do not agree on the potential impact of this missense change (SIFT: "Deleterious"; PolyPhen-2: "Benign"; Align-GVGD: "Class C15"). In summary, the available evidence is currently insufficient to determine the role of this variant in disease. Therefore, it has been classified as a Variant of Uncertain Significance.